The following is an entry in ClinVar:

NM_000334.4(SCN4A):c.718G>A (p.Val240Met)

Gene: SCN4A (sodium voltage-gated channel alpha subunit 4; minus strand). Cytogenetic location: 17q23.3.
Variant type: single nucleotide variant.
Coding change: c.718G>A on transcript NM_000334.4 (MANE Select); coding-DNA position 718, G replaced by A.
Protein change: p.Val240Met; replaces valine 240 with methionine.
Molecular consequence: missense variant.
Genome position (GRCh38, 1-based): chr17:63,968,341, C>T on the plus strand (G>A on the coding strand, the complement: SCN4A is on the minus strand). VCF-style: chr17-63968341-C-T. GRCh37 (hg19) VCF-style: chr17-62045701-C-T.
Other names: short protein forms V240M.
Identifiers: ClinVar variation 969441 (VCV000969441.11), dbSNP rs746216167, ClinGen allele CA8710054.

ClinVar aggregate classification (germline): Uncertain significance. Review status: criteria provided, multiple submitters, no conflicts (2 of 4 stars). 3 submissions from 3 submitters: Uncertain significance (3). Last evaluated 2025-05-13.

Conditions:
Hyperkalemic periodic paralysis. Also called: Familial hyperkalemic periodic paralysis; Gamstorp disease. Identifiers: Orphanet 682, MedGen C0238357, MONDO:0008224, OMIM 170500, HP:0007215.

Allele frequency attached by ClinVar (database versions not stated): gnomAD 0.00001; gnomAD exomes 0.00002; TOPMed 0.00002; ExAC 0.00004.
gnomAD v4.1: 45 of 1,598,488 alleles (0.0028%); highest among the groups gnomAD compares: Non-Finnish European, 0.0035%; no homozygotes.

Submissions (3):

Women's Health and Genetics/Laboratory Corporation of America, LabCorp
Classification: Uncertain significance. Last evaluated: 2025-05-13. Review status: criteria provided, single submitter. Criteria: LabCorp Variant Classification Summary - May 2015. Collection method: clinical testing. Allele origin: germline.
Comment: Variant summary: SCN4A c.718G>A (p.Val240Met) results in a conservative amino acid change in the encoded protein sequence. Algorithms developed to predict the effect of missense changes on protein structure and function are either unavailable or do not agree on the potential impact of this missense change. The variant allele was found at a frequency of 2.1e-05 in 236100 control chromosomes (gnomAD). The available data on variant occurrences in the general population are insufficient to allow any conclusion about variant significance. c.718G>A has been observed in individuals affected with primary periodic paralysis (Luo_2019, Sun_2021). These reports do not provide unequivocal conclusions about association of the variant with Congenital Myopathy 22A, Classic. To our knowledge, no experimental evidence demonstrating an impact on protein function has been reported. The following publications have been ascertained in the context of this evaluation (PMID: 31068157, 33965302). ClinVar contains an entry for this variant (Variation ID: 969441). Based on the evidence outlined above, the variant was classified as uncertain significance.

GeneDx
Classification: Uncertain significance. Last evaluated: 2023-06-02. Review status: criteria provided, single submitter. Criteria: GeneDx Variant Classification Process June 2021. Collection method: clinical testing. Allele origin: germline.
Comment: In silico analysis supports that this missense variant does not alter protein structure/function; This variant is associated with the following publications: (PMID: 34426522, 33965302, 31567646, 32849172, 31068157)

Labcorp Genetics (formerly Invitae), Labcorp
Classification: Uncertain significance for Hyperkalemic periodic paralysis. Last evaluated: 2022-07-19. Review status: criteria provided, single submitter. Criteria: Invitae Variant Classification Sherloc (09022015). Collection method: clinical testing. Allele origin: germline.
Comment: In summary, the available evidence is currently insufficient to determine the role of this variant in disease. Therefore, it has been classified as a Variant of Uncertain Significance. Algorithms developed to predict the effect of missense changes on protein structure and function are either unavailable or do not agree on the potential impact of this missense change (SIFT: "Deleterious"; PolyPhen-2: "Probably Damaging"; Align-GVGD: "Class C15"). ClinVar contains an entry for this variant (Variation ID: 969441). This missense change has been observed in individual(s) with primary periodic paralysis (PMID: 31068157). This variant is present in population databases (rs746216167, gnomAD 0.005%). This sequence change replaces valine, which is neutral and non-polar, with methionine, which is neutral and non-polar, at codon 240 of the SCN4A protein (p.Val240Met).

Literature cited by the submitters: PubMed 31068157 (cited by Women's Health and Genetics/Laboratory Corporation of America, LabCorp and Labcorp Genetics (formerly Invitae), Labcorp); PubMed 33965302 (cited by Women's Health and Genetics/Laboratory Corporation of America, LabCorp).